The following is an entry in ClinVar:

NM_001283009.2(RTEL1):c.406T>C (p.Cys136Arg)

Genes: RTEL1 (regulator of telomere elongation helicase 1; plus strand), RTEL1-TNFRSF6B (RTEL1-TNFRSF6B readthrough (NMD candidate); plus strand). Cytogenetic location: 20q13.33.
Variant type: single nucleotide variant.
Coding change: c.406T>C on transcript NM_001283009.2 (MANE Select); coding-DNA position 406, T replaced by C.
Protein change: p.Cys136Arg; replaces cysteine 136 with arginine.
Molecular consequence: missense variant. On other transcripts: non-coding transcript variant (1), 5 prime UTR variant (1).
Genome position (GRCh38, 1-based): chr20:63,662,556, T>C. VCF-style: chr20-63662556-T-C. GRCh37 (hg19) VCF-style: chr20-62293909-T-C.
Other names: c.-264T>C (NM_001283010.1); c.406T>C, p.Cys136Arg (NM_016434.4); c.478T>C, p.Cys160Arg (NM_032957.5); short protein forms C136R, C160R.
Identifiers: ClinVar variation 4072693 (VCV004072693.1).

ClinVar aggregate classification (germline): Uncertain significance (1 of 4 stars; one submission).

gnomAD v4.1: 1 of 1,613,950 alleles (0.000062%); highest among the groups gnomAD compares: Non-Finnish European, 0.000085%; no homozygotes.

Submission:

GeneDx
Classification: Uncertain significance. Last evaluated: 2025-01-29. Review status: criteria provided, single submitter. Criteria: GeneDx Variant Classification Process June 2021. Collection method: clinical testing. Allele origin: germline. Affected: yes.
Comment: Not observed at significant frequency in large population cohorts (gnomAD); In silico analysis supports that this missense variant has a deleterious effect on protein structure/function; Has not been previously published as pathogenic or benign to our knowledge